The following is an entry in ClinVar:

ClinVar aggregate classification (germline): Uncertain significance (1 of 4 stars; one submission).

Conditions:
POGZ-related disorder. Also called: POGZ-related condition.

gnomAD v4.1: 143 of 1,614,012 alleles (0.0089%); highest among the groups gnomAD compares: Non-Finnish European, 0.01%; no homozygotes.

Submission:

PreventionGenetics, part of Exact Sciences
Classification: Uncertain significance for POGZ-related condition. Last evaluated: 2026-09-15. Review status: criteria provided, single submitter. Criteria: ACMG Guidelines, 2015. Collection method: clinical testing. Allele origin: germline.
Comment: The POGZ c.1369G>A variant is predicted to result in the amino acid substitution p.Val457Met. To our knowledge, this variant has not been reported in the literature. This variant is reported in 0.0093% of alleles in individuals of European (Non-Finnish) descent in gnomAD. At this time, the clinical significance of this variant is uncertain due to the absence of conclusive functional and genetic evidence.

NM_015100.4(POGZ):c.1369G>A (p.Val457Met)

Gene: POGZ (pogo transposable element derived with ZNF domain; minus strand). Cytogenetic location: 1q21.3.
Variant type: single nucleotide variant.
Coding change: c.1369G>A on transcript NM_015100.4 (MANE Select); coding-DNA position 1369, G replaced by A.
Protein change: p.Val457Met; replaces valine 457 with methionine.
Molecular consequence: missense variant.
Genome position (GRCh38, 1-based): chr1:151,424,103, C>T on the plus strand (G>A on the coding strand, the complement: POGZ is on the minus strand). VCF-style: chr1-151424103-C-T. GRCh37 (hg19) VCF-style: chr1-151396579-C-T.
Other names: c.1342G>A, p.Val448Met (NM_001194937.2); c.1183G>A, p.Val395Met (NM_001194938.2); c.1390G>A, p.Val464Met (NM_001410860.1); c.1084G>A, p.Val362Met (NM_145796.4); c.1210G>A, p.Val404Met (NM_207171.2); short protein forms V395M, V464M, V362M, V457M, V404M, V448M.
Identifiers: ClinVar variation 4979137 (VCV004979137.1).